The following is an entry in ClinVar:

ClinVar aggregate classification (germline): Uncertain significance (1 of 4 stars; one submission).

gnomAD v4.1: 2 of 1,613,334 alleles (0.00012%); highest among the groups gnomAD compares: Non-Finnish European, 0.00017%; no homozygotes.

Submission:

Ambry Genetics
Classification: Uncertain significance. Last evaluated: 2024-01-16. Review status: criteria provided, single submitter. Criteria: Ambry Variant Classification Scheme 2023. Collection method: clinical testing. Allele origin: germline.
Comment: The p.V1564L variant (also known as c.4690G>C), located in coding exon 16 of the POLQ gene, results from a G to C substitution at nucleotide position 4690. The valine at codon 1564 is replaced by leucine, an amino acid with highly similar properties. This amino acid position is conserved. In addition, this alteration is predicted to be tolerated by in silico analysis. Since supporting evidence is limited at this time, the clinical significance of this alteration remains unclear.

NM_199420.4(POLQ):c.4690G>C (p.Val1564Leu)

Gene: POLQ (DNA polymerase theta; minus strand). Cytogenetic location: 3q13.33.
Variant type: single nucleotide variant.
Coding change: c.4690G>C on transcript NM_199420.4 (MANE Select); coding-DNA position 4690, G replaced by C.
Protein change: p.Val1564Leu; replaces valine 1564 with leucine.
Molecular consequence: missense variant.
Genome position (GRCh38, 1-based): chr3:121,488,241, C>G on the plus strand (G>C on the coding strand, the complement: POLQ is on the minus strand). VCF-style: chr3-121488241-C-G. GRCh37 (hg19) VCF-style: chr3-121207088-C-G.
Other names: short protein forms V1564L.
Identifiers: ClinVar variation 1742482 (VCV001742482.2), dbSNP rs2546785647, ClinGen allele CA354094186.